The following is an entry in ClinVar:

ClinVar aggregate classification (germline): Uncertain significance. Review status: criteria provided, multiple submitters, no conflicts (2 of 4 stars). 5 submissions from 5 submitters: Uncertain significance (5). Last evaluated 2024-05-14.

Conditions:
Malignant hyperthermia, susceptibility to, 1 (MHS1). Also called: Anesthesia related hyperthermia; Malignant hyperpyrexia; Fulminating hyperpyrexia; Pharmacogenic myopathy; RYR1-Related Malignant Hyperthermia Susceptibility; Malignant hyperthermia suceptibility 1. Identifiers: Orphanet 423, MedGen C2930980, MONDO:0007783, OMIM 145600.
RYR1-related disorder. Also called: RYR1-related disorders; RYR1-related condition. Identifiers: MedGen CN239331.

gnomAD v4.1: 42 of 1,611,748 alleles (0.0026%); highest among the groups gnomAD compares: South Asian, 0.033%; 1 homozygote.

Submissions (5):

Color Diagnostics, LLC DBA Color Health
Classification: Uncertain significance for Malignant hyperthermia, susceptibility to, 1. Last evaluated: 2024-05-14. Review status: criteria provided, single submitter. Criteria: ACMG Guidelines, 2015. Collection method: clinical testing. Allele origin: germline.
Comment: This missense variant replaces tyrosine with cysteine at codon 2777 of the RYR1 protein. Computational prediction suggests that this variant may have deleterious impact on protein structure and function. To our knowledge, functional studies have not been reported for this variant. This variant has not been reported in individuals affected with RYR1-related disorders in the literature. This variant has been identified in 10/249338 chromosomes in the general population by the Genome Aggregation Database (gnomAD). The available evidence is insufficient to determine the role of this variant in disease conclusively. Therefore, this variant is classified as a Variant of Uncertain Significance.

Labcorp Genetics (formerly Invitae), Labcorp
Classification: Uncertain significance for RYR1-related disorder. Last evaluated: 2024-04-10. Review status: criteria provided, single submitter. Criteria: Invitae Variant Classification Sherloc (09022015). Collection method: clinical testing. Allele origin: germline.
Comment: This sequence change replaces tyrosine, which is neutral and polar, with cysteine, which is neutral and slightly polar, at codon 2777 of the RYR1 protein (p.Tyr2777Cys). This variant is present in population databases (rs769276412, gnomAD 0.02%). This variant has not been reported in the literature in individuals affected with RYR1-related conditions. ClinVar contains an entry for this variant (Variation ID: 1419820). Advanced modeling of protein sequence and biophysical properties (such as structural, functional, and spatial information, amino acid conservation, physicochemical variation, residue mobility, and thermodynamic stability) performed at Invitae indicates that this missense variant is expected to disrupt RYR1 protein function with a positive predictive value of 95%. In summary, the available evidence is currently insufficient to determine the role of this variant in disease. Therefore, it has been classified as a Variant of Uncertain Significance.

Blueprint Genetics
Classification: Uncertain significance. Last evaluated: 2024-03-09. Review status: criteria provided, single submitter. Criteria: ACMG Guidelines, 2015. Collection method: clinical testing. Allele origin: germline.

GeneDx
Classification: Uncertain significance. Last evaluated: 2023-10-30. Review status: criteria provided, single submitter. Criteria: GeneDx Variant Classification Process June 2021. Collection method: clinical testing. Allele origin: germline. Affected: yes.
Comment: Reported as a secondary finding in a child with epilepsy, but detailed clinical information and familial segregation information were not provided (PMID: 34689486); In silico analysis supports that this missense variant has a deleterious effect on protein structure/function; This variant is associated with the following publications: (PMID: 12668474, 34689486)

Revvity Omics, Revvity
Classification: Uncertain significance. Last evaluated: 2019-07-10. Review status: criteria provided, single submitter. Criteria: ACMG Guidelines, 2015. Collection method: clinical testing. Allele origin: germline.

NM_000540.3(RYR1):c.8330A>G (p.Tyr2777Cys)

Genes: RYR1 (ryanodine receptor 1; plus strand), LOC126862902 (BRD4-independent group 4 enhancer GRCh37_chr19:38995830-38997029; plus strand). Cytogenetic location: 19q13.2.
Variant type: single nucleotide variant.
Coding change: c.8330A>G on transcript NM_000540.3 (MANE Select); coding-DNA position 8330, A replaced by G.
Protein change: p.Tyr2777Cys; replaces tyrosine 2777 with cysteine.
Molecular consequence: missense variant.
Genome position (GRCh38, 1-based): chr19:38,505,328, A>G. VCF-style: chr19-38505328-A-G. GRCh37 (hg19) VCF-style: chr19-38995968-A-G.
Other names: c.8330A>G, p.Tyr2777Cys (NM_001042723.2); c.8330A>G (NM_000540.2); short protein forms Y2777C.
Identifiers: ClinVar variation 1419820 (VCV001419820.9), dbSNP rs769276412, ClinGen allele CA071847.